The following is an entry in ClinVar:

ClinVar aggregate classification (germline): Uncertain significance (1 of 4 stars; one submission).

Conditions:
WDPCP-related disorder. Also called: WDPCP-related condition.

gnomAD v4.1: 1 of 152,206 alleles (0.00066%); highest among the groups gnomAD compares: Non-Finnish European, 0.0015%; no homozygotes.

Submission:

PreventionGenetics, part of Exact Sciences
Classification: Uncertain significance for WDPCP-related condition. Last evaluated: 2025-07-22. Review status: criteria provided, single submitter. Criteria: ACMG Guidelines, 2015. Collection method: clinical testing. Allele origin: germline.
Comment: The WDPCP c.1901T>C variant is predicted to result in the amino acid substitution p.Val634Ala. To our knowledge, this variant has not been reported in the literature or in a large population database (gnomAD), indicating this variant is rare. At this time, the clinical significance of this variant is uncertain due to the absence of conclusive functional and genetic evidence.

NM_015910.7(WDPCP):c.1748+18462T>C

Gene: WDPCP (WD repeat containing planar cell polarity effector; minus strand). Cytogenetic location: 2p15.
Variant type: single nucleotide variant.
Coding change: c.1748+18462T>C on transcript NM_015910.7 (MANE Select); 18462 bases into the intron after coding-DNA position 1748, T replaced by C.
Molecular consequence: intron variant. On other transcripts: missense variant (1).
Genome position (GRCh38, 1-based): chr2:63,359,924, A>G on the plus strand (T>C on the coding strand, the complement: WDPCP is on the minus strand). VCF-style: chr2-63359924-A-G. GRCh37 (hg19) VCF-style: chr2-63587059-A-G.
Other names: c.1901T>C, p.Val634Ala (NM_001354045.2); c.1676+18462T>C (NM_001354044.2); c.1271+18462T>C (NM_001042692.3); short protein forms V634A.
Identifiers: ClinVar variation 4977679 (VCV004977679.1).
Genomic context (GRCh38, chr2:63,359,924, plus strand): 5'-AGGTAAGGAGTTCAAGACCAGCCTGGCCAACATGGTGAAATCCCATCTCTACTAAAAACA[A>G]CAAAAATTAGCTGGGTGTGGTGGCACATGCCAGTGGTCCCAGCTACTCGGGAGGCTGAGG-3'